The following is an entry in ClinVar:

ClinVar aggregate classification (germline): Likely pathogenic. Review status: criteria provided, multiple submitters, no conflicts (2 of 4 stars). 2 submissions from 2 submitters: Likely pathogenic (2). Last evaluated 2023-05-21.

Conditions:
OTOG-related disorder. Also called: OTOG-related condition.

Allele frequency attached by ClinVar (database versions not stated): TOPMed 0.00001.
gnomAD v4.1: 1 of 1,550,852 alleles (0.000064%); highest among the groups gnomAD compares: Admixed American, 0.002%; no homozygotes.

Submissions (2):

PreventionGenetics, part of Exact Sciences
Classification: Likely pathogenic for OTOG-related condition. Last evaluated: 2023-05-21. Review status: criteria provided, single submitter. Criteria: ACMG Guidelines, 2015. Collection method: clinical testing. Allele origin: germline.
Comment: The OTOG c.6970-2A>G variant is predicted to disrupt the AG splice acceptor site and interfere with normal splicing. To our knowledge, this variant has not been reported in the literature. This variant is reported in 0.0041% of alleles in individuals of Latino descent in gnomAD. Variants that disrupt the consensus splice acceptor site in OTOG are expected to be pathogenic. This variant is interpreted as likely pathogenic.

Blueprint Genetics
Classification: Likely pathogenic for OTOG-related disorders. Last evaluated: 2019-01-02. Review status: criteria provided, single submitter. Criteria: ACMG Guidelines, 2015. Collection method: clinical testing. Allele origin: germline. Affected: yes. Observed: 1 variant allele.

NM_001292063.2(OTOG):c.6934-2A>G

Gene: OTOG (otogelin; plus strand). Cytogenetic location: 11p15.1.
Variant type: single nucleotide variant.
Coding change: c.6934-2A>G on transcript NM_001292063.2 (MANE Select); the canonical splice acceptor site of the intron before coding-DNA position 6934, A replaced by G.
Molecular consequence: splice acceptor variant.
Genome position (GRCh38, 1-based): chr11:17,632,086, A>G. VCF-style: chr11-17632086-A-G. GRCh37 (hg19) VCF-style: chr11-17653633-A-G.
Other names: c.6970-2A>G (NM_001277269.2).
Identifiers: ClinVar variation 2633280 (VCV002633280.2), dbSNP rs1225726040, ClinGen allele CA379810289.